The following is an entry in ClinVar:

NM_001142800.2(EYS):c.7811G>A (p.Arg2604His)

Gene: EYS (EGF-like photoreceptor maintenance factor; minus strand). Cytogenetic location: 6q12.
Variant type: single nucleotide variant.
Coding change: c.7811G>A on transcript NM_001142800.2 (MANE Select); coding-DNA position 7811, G replaced by A.
Protein change: p.Arg2604His; replaces arginine 2604 with histidine.
Molecular consequence: missense variant.
Genome position (GRCh38, 1-based): chr6:63,778,093, C>T on the plus strand (G>A on the coding strand, the complement: EYS is on the minus strand). VCF-style: chr6-63778093-C-T. GRCh37 (hg19) VCF-style: chr6-64487986-C-T.
Other names: c.7811G>A, p.Arg2604His (NM_001292009.2); short protein forms R2604H.
Identifiers: ClinVar variation 809963 (VCV000809963.62), dbSNP rs368798160, ClinGen allele CA140242860.

ClinVar aggregate classification (germline): Conflicting classifications of pathogenicity. Review status: criteria provided, conflicting classifications (1 of 4 stars). 12 submissions from 12 submitters: Pathogenic (2); Likely pathogenic (5); Uncertain significance (3). 2 of the submissions do not count toward it. Last evaluated 2026-03-30.

Conditions:
Retinitis pigmentosa (RP). Identifiers: Orphanet 791, MedGen C0035334, MeSH D012174, MONDO:0019200, OMIM 268000. Inheritance: Autosomal dominant, autosomal recessive and X linked inheritance.
Retinitis pigmentosa 25 (RP25). Identifiers: Orphanet 791, MedGen C1864446, MONDO:0011272, OMIM 602772.
Retinal dystrophy. Also called: Inherited retinal dystrophy. Identifiers: Orphanet 71862, MedGen C0854723, MeSH D058499, MONDO:0019118, HP:0000556.
EYS-related disorder. Also called: EYS-related condition.

Allele frequency attached by ClinVar (database versions not stated): gnomAD exomes 0.00002; TOPMed 0.00004; gnomAD 0.00007; ESP Exome Variant Server 0.00022.
gnomAD v4.1: 28 of 1,551,600 alleles (0.0018%); highest among the groups gnomAD compares: African/African-American, 0.0082%; no homozygotes.

Submissions (12):

PreventionGenetics, part of Exact Sciences
Classification: Likely pathogenic for EYS-related condition. Last evaluated: 2026-03-30. Review status: criteria provided, single submitter. Criteria: ACMG Guidelines, 2015. Collection method: clinical testing. Allele origin: germline.
Comment: The EYS c.7811G>A variant is predicted to result in the amino acid substitution p.Arg2604His. This variant has been reported with a second EYS variant in multiple individuals with retinitis pigmentosa (Messchaert et al. 2018. PubMed ID: 29159838; Table S2, Weisschuh et al. 2020. PubMed ID: 32531858; Table S4, Panneman et al. 2023. PubMed ID: 36819107; Table S1, Weisschuh et al. 2024. PubMed ID: 37734845). This variant is reported in 0.012% of alleles in individuals of African descent in gnomAD. An alternate missense substitution affecting the same amino acid position (p.Arg2604Cys) has been reported in multiple individuals with retinitis pigmentosa (see for examples, Table S5, Koyanagi et al. 2019. PubMed ID: 31213501; Table S4, Panneman et al. 2023. PubMed ID: 36819107; Table S1, Weisschuh et al. 2024. PubMed ID: 37734845; Table S1, Lin et al. 2024. PubMed ID: 38219857). In summary, the c.7811G>A (p.Arg2604His) variant is interpreted as likely pathogenic.

Natera, Inc.
Classification: Likely pathogenic for Retinitis pigmentosa type 25. Last evaluated: 2026-01-23. Review status: criteria provided, single submitter. Criteria: Natera Variant Classification Schema (03/2026). Collection method: clinical testing. Allele origin: germline.
Comment: The c.7811G>A variant in EYS is a missense variant predicted to cause substitution of arginine to histidine at amino acid 2604. This variant is rare in the general population with a frequency below the threshold expected for the associated phenotype(s). This variant has been observed in one or more individuals affected with the associated recessive disease, as either homozygous or compound heterozygous with a second variant (PMID: 38195571, 37734845, 36819107, 31074760). A different variant at the same position has been determined to be Pathogenic or Likely Pathogenic. Multiple computational prediction algorithms suggest this variant is unlikely to affect gene or protein function. Given the available evidence, this variant is classified as Likely Pathogenic.

Labcorp Genetics (formerly Invitae), Labcorp
Classification: Pathogenic. Last evaluated: 2026-01-19. Review status: criteria provided, single submitter. Criteria: Invitae Variant Classification Sherloc (09022015). Collection method: clinical testing. Allele origin: germline.
Comment: This sequence change replaces arginine, which is basic and polar, with histidine, which is basic and polar, at codon 2604 of the EYS protein (p.Arg2604His). This variant is present in population databases (rs368798160, gnomAD 0.01%). This missense change has been observed in individuals with retinitis pigmentosa (PMID: 29159838, 32531858, 36819107; internal data). ClinVar contains an entry for this variant (Variation ID: 809963). Invitae Evidence Modeling of protein sequence and biophysical properties (such as structural, functional, and spatial information, amino acid conservation, physicochemical variation, residue mobility, and thermodynamic stability) indicates that this missense variant is expected to disrupt EYS protein function with a positive predictive value of 80%. This variant disrupts the p.Arg2604 amino acid residue in EYS. Other variant(s) that disrupt this residue have been determined to be pathogenic (PMID: 20237254, 26161267, 30543658, 31213501). This suggests that this residue is clinically significant, and that variants that disrupt this residue are likely to be disease-causing. For these reasons, this variant has been classified as Pathogenic.

Women's Health and Genetics/Laboratory Corporation of America, LabCorp
Classification: Pathogenic for Retinitis pigmentosa. Last evaluated: 2025-06-03. Review status: criteria provided, single submitter. Criteria: LabCorp Variant Classification Summary - May 2015. Collection method: clinical testing. Allele origin: germline.
Comment: Variant summary: EYS c.7811G>A (p.Arg2604His) results in a non-conservative amino acid change located in the Laminin G domain (IPR001791) of the encoded protein sequence. Algorithms developed to predict the effect of missense changes on protein structure and function are either unavailable or do not agree on the potential impact of this missense change. The variant allele was found at a frequency of 1.9e-05 in 157048 control chromosomes. c.7811G>A has been reported in the literature in individuals affected with Retinitis Pigmentosa (example, Messchaert_2018, Panneman_2023, Pierrache_2019, Weisschuh_2020, Internal data). These data indicate that the variant may be associated with disease. Other variant(s) that disrupt this residue have been determined to be pathogenic (PMID: 20237254, 26161267, 30543658, 31213501). The following publications have been ascertained in the context of this evaluation (PMID: 29159838, 36819107, 31074760, 32531858). ClinVar contains an entry for this variant (Variation ID: 809963). Based on the evidence outlined above, the variant was classified as pathogenic.

Baylor Genetics
Classification: Likely pathogenic for Retinitis pigmentosa 25. Last evaluated: 2023-08-15. Review status: criteria provided, single submitter. Criteria: ACMG Guidelines, 2015. Collection method: clinical testing. Allele origin: unknown.

GeneDx
Classification: Uncertain significance. Last evaluated: 2022-11-18. Review status: criteria provided, single submitter. Criteria: GeneDx Variant Classification Process June 2021. Collection method: clinical testing. Allele origin: germline. Affected: yes.
Comment: In silico analysis supports that this missense variant does not alter protein structure/function; This variant is associated with the following publications: (PMID: 32531858, 31074760, 29159838)

MGZ Medical Genetics Center
Classification: Likely pathogenic for Retinitis pigmentosa 25. Last evaluated: 2022-06-23. Review status: criteria provided, single submitter. Criteria: ACMG Guidelines, 2015. Collection method: clinical testing. Allele origin: germline. Affected: yes. Observed: 1 variant allele.
Comment: ACMG criteria applied: PM3, PM5, PS4_SUP, PM2_SUP

Blueprint Genetics
Classification: Likely pathogenic for EYS-related disorders. Last evaluated: 2021-10-15. Review status: criteria provided, single submitter. Criteria: ACMG Guidelines, 2015. Collection method: clinical testing. Allele origin: germline. Affected: yes. Observed: 5 variant alleles.

CeGaT Center for Human Genetics Tuebingen
Classification: Uncertain significance. Last evaluated: 2019-05-01. Review status: criteria provided, single submitter. Criteria: CeGaT Center For Human Genetics Tuebingen Variant Classification Criteria Version 2. Collection method: clinical testing. Allele origin: germline. Affected: yes. Observed: 2 variant alleles.

Institute of Human Genetics, Univ. Regensburg, Univ. Regensburg
Classification: Uncertain significance for Retinal dystrophy. Last evaluated: 2017-01-01. Review status: criteria provided, single submitter. Criteria: ACMG Guidelines, 2015. Collection method: clinical testing. Allele origin: germline. Affected: yes.

Clinical Genetics, Academic Medical Center
Classification: Uncertain significance. Review status: no assertion criteria provided. Collection method: clinical testing. Allele origin: germline. Affected: yes. Study: VKGL Data-share Consensus. Not counted in ClinVar's aggregate classification.

Joint Genome Diagnostic Labs from Nijmegen and Maastricht, Radboudumc and MUMC+
Classification: Uncertain significance. Review status: no assertion criteria provided. Collection method: clinical testing. Allele origin: germline. Affected: yes. Study: VKGL Data-share Consensus. Not counted in ClinVar's aggregate classification.

Literature cited by the submitters: PubMed 38195571 (cited by Natera, Inc.); PubMed 37734845 (cited by Natera, Inc.); PubMed 36819107 (cited by 4 submitters); PubMed 31074760 (cited by 3 submitters); PubMed 29159838 (cited by 3 submitters); PubMed 32531858 (cited by 3 submitters); PubMed 20237254 (cited by Labcorp Genetics (formerly Invitae), Labcorp); PubMed 26161267 (cited by Labcorp Genetics (formerly Invitae), Labcorp); PubMed 30543658 (cited by Labcorp Genetics (formerly Invitae), Labcorp); PubMed 31213501 (cited by Labcorp Genetics (formerly Invitae), Labcorp).